The following is an entry in ClinVar:

NM_001319074.4(RAX2):c.148C>T (p.His50Tyr)

Gene: RAX2 (retina and anterior neural fold homeobox 2; minus strand). Cytogenetic location: 19p13.3.
Variant type: single nucleotide variant.
Coding change: c.148C>T on transcript NM_001319074.4 (MANE Select); coding-DNA position 148, C replaced by T.
Protein change: p.His50Tyr; replaces histidine 50 with tyrosine.
Molecular consequence: missense variant.
Genome position (GRCh38, 1-based): chr19:3,771,595, G>A on the plus strand (C>T on the coding strand, the complement: RAX2 is on the minus strand). VCF-style: chr19-3771595-G-A. GRCh37 (hg19) VCF-style: chr19-3771593-G-A.
Other names: c.148C>T, p.His50Tyr (NM_032753.4); short protein forms H50Y.
Identifiers: ClinVar variation 867060 (VCV000867060.11), dbSNP rs565566531, ClinGen allele CA9085101.
Genomic context (GRCh38, chr19:3,771,595, plus strand): 5'-GCACCTCAGGTAGGTGCACCTTGGCTGCCAGCTCCTCACGGCTGTACACATCCGGGTAGT[G>A]AGAGGCCTCGAACGCCCGCTCCAGCTGGTGCAGCTGGTAGGTGGTGAAGGTGGTGCGGTT-3'
Protein context (NP_001306003.2, residues 40-60): HQLERAFEAS[His50Tyr]YPDVYSREEL

ClinVar aggregate classification (germline): Conflicting classifications of pathogenicity. Review status: criteria provided, conflicting classifications (1 of 4 stars). 3 submissions from 3 submitters: Likely pathogenic (1); Uncertain significance (2). Last evaluated 2024-03-13.

Conditions:
Retinitis pigmentosa 95. Identifiers: MedGen C5774244, MONDO:0859308, OMIM 620102.
RAX2-related disorder. Also called: RAX2-related condition; RAX2-related disorders.

Allele frequency attached by ClinVar (database versions not stated): TOPMed below 0.00001; gnomAD 0.00001; gnomAD exomes 0.00003; ExAC 0.00004.
gnomAD v4.1: 18 of 1,611,954 alleles (0.0011%); highest among the groups gnomAD compares: South Asian, 0.014%; no homozygotes.

Submissions (3):

3billion
Classification: Uncertain significance for Retinitis pigmentosa 95. Last evaluated: 2024-03-13. Review status: criteria provided, single submitter. Criteria: ACMG Guidelines, 2015. Collection method: clinical testing. Allele origin: germline. Affected: yes.
Comment: The variant is observed at an extremely low frequency in the gnomAD v2.1.1 dataset (total allele frequency: 0.003%). Predicted Consequence/Location: Missense changes are a common disease-causing mechanism. In silico tool predictions suggest damaging effect of the variant on gene or gene product [REVEL: 0.85 (>=0.6, sensitivity 0.68 and specificity 0.92)]. Therefore, this variant is classified as VUS according to the recommendation of ACMG/AMP guideline.

Blueprint Genetics
Classification: Likely pathogenic for RAX2-related disorders. Last evaluated: 2023-06-29. Review status: criteria provided, single submitter. Criteria: ACMG Guidelines, 2015. Collection method: clinical testing. Allele origin: germline. Affected: yes. Observed: 2 variant alleles.

Labcorp Genetics (formerly Invitae), Labcorp
Classification: Uncertain significance. Last evaluated: 2022-03-23. Review status: criteria provided, single submitter. Criteria: Invitae Variant Classification Sherloc (09022015). Collection method: clinical testing. Allele origin: germline.
Comment: ClinVar contains an entry for this variant (Variation ID: 867060). Algorithms developed to predict the effect of missense changes on protein structure and function (SIFT, PolyPhen-2, Align-GVGD) all suggest that this variant is likely to be disruptive. In summary, the available evidence is currently insufficient to determine the role of this variant in disease. Therefore, it has been classified as a Variant of Uncertain Significance. This variant has not been reported in the literature in individuals affected with RAX2-related conditions. This variant is present in population databases (rs565566531, gnomAD 0.03%). This sequence change replaces histidine, which is basic and polar, with tyrosine, which is neutral and polar, at codon 50 of the RAX2 protein (p.His50Tyr).